The following is an entry in ClinVar:

ClinVar aggregate classification (germline): Conflicting classifications of pathogenicity. Review status: criteria provided, conflicting classifications (1 of 4 stars). 6 submissions from 4 submitters: Uncertain significance (3); Likely benign (3). Last evaluated 2025-12-22.

Conditions:
Inborn genetic diseases. Identifiers: MedGen C0950123, MeSH D030342.
Congenital factor V deficiency. Also called: Hereditary factor V deficiency disease; LABILE FACTOR DEFICIENCY; OWREN PARAHEMOPHILIA; PARAHEMOPHILIA. Identifiers: Orphanet 326, MedGen C0015499, MONDO:0009210, OMIM 227400.
Thrombophilia due to thrombin defect (THPH1). Also called: THROMBOPHILIA DUE TO FACTOR 2 DEFECT; Prothrombin-Related Thrombophilia (Factor II); Thrombosis susceptibility; Prothrombin Thrombophilia. Identifiers: MedGen C3160733, MONDO:0008559, OMIM 188050. Disease mechanism: gain of function, loss of function.
Budd-Chiari syndrome (BDCHS). Also called: Hepatic vein obstruction. Identifiers: Orphanet 131, MedGen C0856761, MONDO:0010947, OMIM 600880, HP:0002639.
Factor V deficiency. Also called: Reduced coagulation factor V activity. Identifiers: Orphanet 326, MedGen C4317320, MONDO:0020586, HP:0003225.

Allele frequency attached by ClinVar (database versions not stated): TOPMed 0.00017; ExAC 0.00020; gnomAD exomes 0.00022 and 0.00037; gnomAD 0.00023 and 0.00025; ESP Exome Variant Server 0.00031.
gnomAD v4.1: 566 of 1,613,952 alleles (0.035%); highest among the groups gnomAD compares: Non-Finnish European, 0.043%; no homozygotes.

Submissions (6):

Labcorp Genetics (formerly Invitae), Labcorp
Classification: Likely benign for Congenital factor V deficiency. Last evaluated: 2025-12-22. Review status: criteria provided, single submitter. Criteria: Invitae Variant Classification Sherloc (09022015). Collection method: clinical testing. Allele origin: germline.

Ambry Genetics
Classification: Likely benign for Inborn genetic diseases. Last evaluated: 2025-01-25. Review status: criteria provided, single submitter. Criteria: Ambry Variant Classification Scheme 2023. Collection method: clinical testing. Allele origin: germline.

CeGaT Center for Human Genetics Tuebingen
Classification: Likely benign. Last evaluated: 2023-01-01. Review status: criteria provided, single submitter. Criteria: CeGaT Center For Human Genetics Tuebingen Variant Classification Criteria Version 2. Collection method: clinical testing. Allele origin: germline. Affected: yes. Observed: 1 variant allele.
Comment: F5: BP4, BP7

Illumina Laboratory Services, Illumina
Classification: Uncertain significance for Budd-Chiari syndrome. Last evaluated: 2018-01-12. Review status: criteria provided, single submitter. Criteria: ICSL Variant Classification Criteria 13 December 2019. Collection method: clinical testing. Allele origin: germline.

Illumina Laboratory Services, Illumina
Classification: Uncertain significance for Congenital factor V deficiency. Last evaluated: 2018-01-12. Review status: criteria provided, single submitter. Criteria: ICSL Variant Classification Criteria 13 December 2019. Collection method: clinical testing. Allele origin: germline.

Illumina Laboratory Services, Illumina
Classification: Uncertain significance for Venous thrombosis. Last evaluated: 2018-01-12. Review status: criteria provided, single submitter. Criteria: ICSL Variant Classification Criteria 13 December 2019. Collection method: clinical testing. Allele origin: germline.

NM_000130.5(F5):c.2868T>C (p.Tyr956=)

Gene: F5 (coagulation factor V; minus strand). Cytogenetic location: 1q24.2.
Variant type: single nucleotide variant.
Coding change: c.2868T>C on transcript NM_000130.5 (MANE Select); coding-DNA position 2868, T replaced by C.
Protein change: p.Tyr956=; no amino-acid change (tyrosine 956 retained).
Molecular consequence: synonymous variant.
Genome position (GRCh38, 1-based): chr1:169,542,222, A>G on the plus strand (T>C on the coding strand, the complement: F5 is on the minus strand). VCF-style: chr1-169542222-A-G. GRCh37 (hg19) VCF-style: chr1-169511460-A-G.
Identifiers: ClinVar variation 293617 (VCV000293617.54), dbSNP rs149067268, ClinGen allele CA1234018.
Genomic context (GRCh38, chr1:169,542,222, plus strand): 5'-CTGGGGGCTGATCAGCCAATTGTTAACAGCTGTGTCTTCATCAGTATCTTGGATTATTTC[A>G]TAGCTACCTTTCTCAGAAGCCAAATGCCATCTCCCAACCAAAATCTTAGATGAGTTACTT-3'
Protein context (NP_000121.2, residues 946-966): RWHLASEKGS[Tyr956=]EIIQDTDEDT